The following is an entry in ClinVar:

NM_001276270.2(MBD4):c.1633A>G (p.Asn545Asp)

Gene: MBD4 (methyl-CpG binding domain 4, DNA glycosylase; minus strand). Cytogenetic location: 3q21.3.
Variant type: single nucleotide variant.
Coding change: c.1633A>G on transcript NM_001276270.2 (MANE Select); coding-DNA position 1633, A replaced by G.
Protein change: p.Asn545Asp; replaces asparagine 545 with aspartic acid.
Molecular consequence: missense variant. On other transcripts: intron variant (1).
Genome position (GRCh38, 1-based): chr3:129,432,517, T>C on the plus strand (A>G on the coding strand, the complement: MBD4 is on the minus strand). VCF-style: chr3-129432517-T-C. GRCh37 (hg19) VCF-style: chr3-129151360-T-C.
Other names: c.1651A>G, p.Asn551Asp (NM_001276271.2, NM_003925.3); c.697A>G, p.Asn233Asp (NM_001276273.2); c.1612+39A>G (NM_001276272.2); short protein forms N545D, N551D, N233D.
Identifiers: ClinVar variation 3543794 (VCV003543794.4).

ClinVar aggregate classification (germline): Uncertain significance. Review status: criteria provided, multiple submitters, no conflicts (2 of 4 stars). 2 submissions from 2 submitters: Uncertain significance (2). Last evaluated 2025-12-17.

Conditions:
Inborn genetic diseases. Identifiers: MedGen C0950123, MeSH D030342.

gnomAD v4.1: 11 of 1,614,214 alleles (0.00068%); highest among the groups gnomAD compares: Non-Finnish European, 0.00093%; no homozygotes.

Submissions (2):

Labcorp Genetics (formerly Invitae), Labcorp
Classification: Uncertain significance. Last evaluated: 2025-12-17. Review status: criteria provided, single submitter. Criteria: Invitae Variant Classification Sherloc (09022015). Collection method: clinical testing. Allele origin: germline.
Comment: This sequence change replaces asparagine, which is neutral and polar, with aspartic acid, which is acidic and polar, at codon 551 of the MBD4 protein (p.Asn551Asp). This variant is present in population databases (rs778573123, gnomAD 0.002%). This variant has not been reported in the literature in individuals affected with MBD4-related conditions. ClinVar contains an entry for this variant (Variation ID: 3543794). An algorithm developed to predict the effect of missense changes on protein structure and function outputs the following: PolyPhen-2: "Benign". The aspartic acid amino acid residue is found in multiple mammalian species, which suggests that this missense change does not adversely affect protein function. In summary, the available evidence is currently insufficient to determine the role of this variant in disease. Therefore, it has been classified as a Variant of Uncertain Significance.

Ambry Genetics
Classification: Uncertain significance for Inborn genetic diseases. Last evaluated: 2024-12-25. Review status: criteria provided, single submitter. Criteria: Ambry Variant Classification Scheme 2023. Collection method: clinical testing. Allele origin: germline.